The following is an entry in ClinVar:

ClinVar aggregate classification (germline): Uncertain significance (1 of 4 stars; one submission).

Conditions:
Bethlem myopathy 1A. Also called: Bethlem myopathy 1; MYOPATHY, BENIGN CONGENITAL, WITH CONTRACTURES; Bethlem Muscular Dystrophy. Identifiers: Orphanet 610, MedGen CN029274, MONDO:0024530, OMIM 158810.

Submission:

Labcorp Genetics (formerly Invitae), Labcorp
Classification: Uncertain significance for Bethlem myopathy 1A. Last evaluated: 2025-01-06. Review status: criteria provided, single submitter. Criteria: Invitae Variant Classification Sherloc (09022015). Collection method: clinical testing. Allele origin: germline.
Comment: This variant occurs in a non-coding region of the COL6A2 gene. It does not change the encoded amino acid sequence of the COL6A2 protein. This variant is present in population databases (rs755047241, gnomAD 0.006%). This variant has not been reported in the literature in individuals affected with COL6A2-related conditions. In summary, the available evidence is currently insufficient to determine the role of this variant in disease. Therefore, it has been classified as a Variant of Uncertain Significance.

NM_001849.4(COL6A2):c.3059_*1dup (p.Ter1020=)

Gene: COL6A2 (collagen type VI alpha 2 chain; plus strand). Cytogenetic location: 21q22.3.
Variant type: Duplication.
Coding change: c.3059_*1dup on transcript NM_001849.4 (MANE Select); coding-DNA position 3059 through 1 bases downstream of the stop codon, 3 bases duplicated (AGC; older notation c.3059_*1dupAGC).
Protein change: p.Ter1020=.
Molecular consequence: no sequence alteration.
Genome position (GRCh38, 1-based): chr21:46,132,551-46,132,553, AGC duplicated. VCF-style (leftmost placement, unchanged base first): chr21-46132550-T-TAGC. GRCh37 (hg19) VCF-style: chr21-47552464-T-TAGC.
Identifiers: ClinVar variation 3633868 (VCV003633868.2).